The following is an entry in ClinVar:

ClinVar aggregate classification (germline): Conflicting classifications of pathogenicity. Review status: criteria provided, conflicting classifications (1 of 4 stars). 2 submissions from 2 submitters: Uncertain significance (1); Likely benign (1). Last evaluated 2022-11-01.

Conditions:
Peroxisome biogenesis disorder 5A (Zellweger) (PBD5A). Identifiers: Orphanet 912, MedGen C3553940, MONDO:0013932, OMIM 614866.

Allele frequency attached by ClinVar (database versions not stated): gnomAD 0.00343 and 0.00328; 1000 Genomes Project 30x 0.00109; 1000 Genomes Project 0.00120; TOPMed 0.00338.

Submissions (2):

CeGaT Center for Human Genetics Tuebingen
Classification: Likely benign. Last evaluated: 2022-11-01. Review status: criteria provided, single submitter. Criteria: CeGaT Center For Human Genetics Tuebingen Variant Classification Criteria Version 2. Collection method: clinical testing. Allele origin: germline. Affected: yes. Observed: 1 variant allele.
Comment: PEX2: BS2

Illumina Laboratory Services, Illumina
Classification: Uncertain significance for Peroxisome biogenesis disorder 5A (Zellweger). Last evaluated: 2018-01-13. Review status: criteria provided, single submitter. Criteria: ICSL Variant Classification Criteria 13 December 2019. Collection method: clinical testing. Allele origin: germline.

NM_000318.3(PEX2):c.*1174A>G

Gene: PEX2 (peroxisomal biogenesis factor 2; minus strand). Cytogenetic location: 8q21.13.
Variant type: single nucleotide variant.
Coding change: c.*1174A>G on transcript NM_000318.3 (MANE Select); 1174 bases downstream of the stop codon, A replaced by G.
Molecular consequence: 3 prime UTR variant.
Genome position (GRCh38, 1-based): chr8:76,982,087, T>C on the plus strand (A>G on the coding strand, the complement: PEX2 is on the minus strand). VCF-style: chr8-76982087-T-C. GRCh37 (hg19) VCF-style: chr8-77894323-T-C.
Other names: c.*1174A>G (NM_001079867.2, NM_001172086.2, NM_001172087.2).
Identifiers: ClinVar variation 911147 (VCV000911147.28), dbSNP rs562263817, ClinGen allele CA179988109.